The following is an entry in ClinVar:

NM_001267550.2(TTN):c.59402G>A (p.Gly19801Asp)

Genes: TTN (titin; minus strand), TTN-AS1 (TTN antisense RNA 1; plus strand), LOC126806424 (CDK7 strongly-dependent group 2 enhancer GRCh37_chr2:179456337-179457536; plus strand). Cytogenetic location: 2q31.2.
Variant type: single nucleotide variant.
Coding change: c.59402G>A on transcript NM_001267550.2 (MANE Select); coding-DNA position 59402, G replaced by A.
Protein change: p.Gly19801Asp; replaces glycine 19801 with aspartic acid.
Molecular consequence: missense variant.
Genome position (GRCh38, 1-based): chr2:178,592,603, C>T on the plus strand (G>A on the coding strand, the complement: TTN is on the minus strand). VCF-style: chr2-178592603-C-T. GRCh37 (hg19) VCF-style: chr2-179457330-C-T.
Other names: c.54479G>A, p.Gly18160Asp (NM_001256850.1); c.32207G>A, p.Gly10736Asp (NM_003319.4); c.51698G>A, p.Gly17233Asp (NM_133378.4); c.32582G>A, p.Gly10861Asp (NM_133432.3); c.32783G>A, p.Gly10928Asp (NM_133437.4); short protein forms G19801D, G10736D, G10861D, G10928D, G17233D, G18160D.
Identifiers: ClinVar variation 238813 (VCV000238813.15), dbSNP rs202206216, ClinGen allele CA1992669.

ClinVar aggregate classification (germline): Conflicting classifications of pathogenicity. Review status: criteria provided, conflicting classifications (1 of 4 stars). 8 submissions from 8 submitters: Uncertain significance (4); Likely benign (4). Last evaluated 2026-09-11.

Conditions:
Arthrogryposis syndrome. Identifiers: Orphanet 109007, MedGen CN261653, MONDO:0015225.
TTN-related disorder. Also called: TTN-related condition; TTN-related disease; TTN-related disorders.
Cardiovascular phenotype. Identifiers: MedGen CN230736.
Autosomal recessive limb-girdle muscular dystrophy type 2J (LGMDR10). Also called: MUSCULAR DYSTROPHY, LIMB-GIRDLE, AUTOSOMAL RECESSIVE 10; Limb-girdle muscular dystrophy, type 2J. Identifiers: Orphanet 140922, MedGen C1837342, MONDO:0012127, OMIM 608807.
Dilated cardiomyopathy 1G (CMD1G). Identifiers: Orphanet 154, MedGen C1858763, MONDO:0011400, OMIM 604145.
Primary dilated cardiomyopathy (DCM). Also called: Dilated Cardiomyopathy. Identifiers: Orphanet 217604, MedGen C0007193, MeSH D002311, MONDO:0005021, HP:0001644. Inheritance: Various modes of inheritance.

Allele frequency attached by ClinVar (database versions not stated): TOPMed 0.00009; gnomAD 0.00012 and 0.00013; ExAC 0.00017; gnomAD exomes 0.00019.
gnomAD v4.1: 210 of 1,613,312 alleles (0.013%); highest among the groups gnomAD compares: South Asian, 0.088%; no homozygotes.

Submissions (8):

PreventionGenetics, part of Exact Sciences
Classification: Uncertain significance for TTN-related condition. Last evaluated: 2026-09-11. Review status: criteria provided, single submitter. Criteria: ACMG Guidelines, 2015. Collection method: clinical testing. Allele origin: germline.
Comment: The TTN c.59402G>A variant is predicted to result in the amino acid substitution p.Gly19801Asp. To our knowledge, this variant has not been reported in the literature. This variant is reported in 0.078% of alleles in individuals of South Asian descent in gnomAD. Although we suspect that this variant may be benign, at this time, the clinical significance of this variant is uncertain due to the absence of conclusive functional and genetic evidence.

Blueprint Genetics
Classification: Likely benign. Last evaluated: 2024-08-02. Review status: criteria provided, single submitter. Criteria: ACMG Guidelines, 2015. Collection method: clinical testing. Allele origin: germline.

Revvity Omics, Revvity
Classification: Uncertain significance. Last evaluated: 2023-01-16. Review status: criteria provided, single submitter. Criteria: ACMG Guidelines, 2015. Collection method: clinical testing. Allele origin: germline.

Cambridge Genomics Laboratory, East Genomic Laboratory Hub, NHS Genomic Medicine Service
Classification: Uncertain significance for Arthrogryposis syndrome. Last evaluated: 2020-03-27. Review status: criteria provided, single submitter. Criteria: ACGS Best Practice Guidelines for Variant Classification in Rare Disease 2020. Collection method: clinical testing. Allele origin: germline. Affected: yes. Observed: 1 variant allele.

GeneDx
Classification: Likely benign. Last evaluated: 2020-01-30. Review status: criteria provided, single submitter. Criteria: GeneDx Variant Classification Process June 2021. Collection method: clinical testing. Allele origin: germline. Affected: yes.

Ambry Genetics
Classification: Likely benign for Cardiovascular phenotype. Last evaluated: 2019-05-22. Review status: criteria provided, single submitter. Criteria: Ambry Variant Classification Scheme 2023. Collection method: clinical testing. Allele origin: germline.

Labcorp Genetics (formerly Invitae), Labcorp
Classification: Uncertain significance for Dilated cardiomyopathy 1G; Autosomal recessive limb-girdle muscular dystrophy type 2J. Last evaluated: 2017-10-10. Review status: criteria provided, single submitter. Criteria: Invitae Variant Classification Sherloc (09022015). Collection method: clinical testing. Allele origin: germline.

Genetics and Genomics Program, Sidra Medicine
Classification: Likely benign for Primary dilated cardiomyopathy. Review status: criteria provided, single submitter. Criteria: ACMG Guidelines, 2015. Collection method: research. Allele origin: unknown. Affected: yes. Observed: 1 variant allele.